The following is an entry in ClinVar:

NM_006516.4(SLC2A1):c.634del (p.Arg212fs)

Gene: SLC2A1 (solute carrier family 2 member 1; minus strand). Cytogenetic location: 1p34.2.
Variant type: Deletion.
Coding change: c.634del on transcript NM_006516.4 (MANE Select); coding-DNA position 634, one base deleted (C; older notation c.634delC).
Protein change: p.Arg212fs; shifts the reading frame from arginine 212.
Molecular consequence: frameshift variant.
Genome position (GRCh38, 1-based): chr1:42,929,918, G deleted on the plus strand (C on the coding strand, the reverse complement: SLC2A1 is on the minus strand); the first of 4 consecutive G bases (chr1:42,929,918-42,929,921); deleting any one gives the same sequence. VCF-style (leftmost placement, unchanged base first): chr1-42929917-CG-C. GRCh37 (hg19) VCF-style: chr1-43395588-CG-C.
Other names: short protein forms R212fs.
Identifiers: ClinVar variation 1073271 (VCV001073271.4), dbSNP rs2124449299, ClinGen allele CA2499214722.

ClinVar aggregate classification (germline): Pathogenic. Review status: criteria provided, multiple submitters, no conflicts (2 of 4 stars). 3 submissions from 3 submitters: Pathogenic (3). Last evaluated 2023-04-11.

Conditions:
Encephalopathy due to GLUT1 deficiency. Also called: GLUT1 deficiency syndrome 1; Glucose transporter protein syndrome; De Vivo disease; Classic Glucose Transporter Type 1 Deficiency Syndrome; GLUT1 deficiency syndrome 1, infantile onset, severe; GLUCOSE TRANSPORT DEFECT, BLOOD-BRAIN BARRIER. Identifiers: Orphanet 71277, MedGen C4551966, MONDO:0011724, OMIM 606777.
GLUT1 deficiency syndrome 1, autosomal recessive. Identifiers: MedGen C3149117.

Submissions (3):

Genome-Nilou Lab
Classification: Pathogenic for Encephalopathy due to GLUT1 deficiency. Last evaluated: 2023-04-11. Review status: criteria provided, single submitter. Criteria: ACMG Guidelines, 2015. Collection method: clinical testing. Allele origin: germline. Affected: no.

Athena Diagnostics
Classification: Pathogenic. Last evaluated: 2021-06-25. Review status: criteria provided, single submitter. Criteria: Athena Diagnostics Criteria. Collection method: clinical testing. Allele origin: unknown.
Comment: This variant is expected to result in the loss of a functional protein. This variant has not been reported in large, multi-ethnic general populations. This variant has been identified in at least one individual tested at Athena Diagnostics with clinical features associated with this gene.

Labcorp Genetics (formerly Invitae), Labcorp
Classification: Pathogenic for GLUT1 deficiency syndrome 1, autosomal recessive. Last evaluated: 2020-08-25. Review status: criteria provided, single submitter. Criteria: Invitae Variant Classification Sherloc (09022015). Collection method: clinical testing. Allele origin: germline.
Comment: This sequence change creates a premature translational stop signal (p.Arg212Alafs*17) in the SLC2A1 gene. It is expected to result in an absent or disrupted protein product. This variant is not present in population databases (ExAC no frequency). This variant has not been reported in the literature in individuals with SLC2A1-related conditions. Loss-of-function variants in SLC2A1 are known to be pathogenic (PMID: 21832227, 26193382). For these reasons, this variant has been classified as Pathogenic.

Literature cited by the submitters: PubMed 21832227 (cited by Labcorp Genetics (formerly Invitae), Labcorp); PubMed 26193382 (cited by Labcorp Genetics (formerly Invitae), Labcorp).